The following is an entry in ClinVar:

ClinVar aggregate classification (germline): Uncertain significance. Review status: criteria provided, multiple submitters, no conflicts (2 of 4 stars). 2 submissions from 2 submitters: Uncertain significance (2). Last evaluated 2024-09-23.

Conditions:
Walker-Warburg congenital muscular dystrophy. Also called: Muscular dystrophy-dystroglycanopathy, type A; Walker-Warburg syndrome. Identifiers: Orphanet 899, MedGen C0265221, MONDO:0000171.

Allele frequency attached by ClinVar (database versions not stated): gnomAD exomes below 0.00001; TOPMed below 0.00001; ESP Exome Variant Server 0.00008.

Submissions (2):

Athena Diagnostics
Classification: Uncertain significance. Last evaluated: 2024-09-23. Review status: criteria provided, single submitter. Criteria: Athena Diagnostics Criteria. Collection method: clinical testing. Allele origin: unknown.
Comment: Available data are insufficient to determine the clinical significance of the variant at this time. The frequency of this variant in the general population is uninformative in assessment of its pathogenicity. Polyphen and MutationTaster predict this amino acid change may be damaging to the protein.

Labcorp Genetics (formerly Invitae), Labcorp
Classification: Uncertain significance for Walker-Warburg congenital muscular dystrophy. Last evaluated: 2021-12-02. Review status: criteria provided, single submitter. Criteria: Invitae Variant Classification Sherloc (09022015). Collection method: clinical testing. Allele origin: germline.
Comment: This sequence change replaces cysteine, which is neutral and slightly polar, with arginine, which is basic and polar, at codon 413 of the FKTN protein (p.Cys413Arg). This variant is not present in population databases (gnomAD no frequency). This variant has not been reported in the literature in individuals affected with FKTN-related conditions. Algorithms developed to predict the effect of missense changes on protein structure and function are either unavailable or do not agree on the potential impact of this missense change (SIFT: "Deleterious"; PolyPhen-2: "Probably Damaging"; Align-GVGD: "Class C0"). In summary, the available evidence is currently insufficient to determine the role of this variant in disease. Therefore, it has been classified as a Variant of Uncertain Significance.

NM_001079802.2(FKTN):c.1237T>C (p.Cys413Arg)

Gene: FKTN (fukutin; plus strand). Cytogenetic location: 9q31.2.
Variant type: single nucleotide variant.
Coding change: c.1237T>C on transcript NM_001079802.2 (MANE Select); coding-DNA position 1237, T replaced by C.
Protein change: p.Cys413Arg; replaces cysteine 413 with arginine.
Molecular consequence: missense variant. On other transcripts: 3 prime UTR variant (1), non-coding transcript variant (2).
Genome position (GRCh38, 1-based): chr9:105,635,115, T>C. VCF-style: chr9-105635115-T-C. GRCh37 (hg19) VCF-style: chr9-108397396-T-C.
Other names: c.1237T>C, p.Cys413Arg (NM_001198963.2, NM_001351496.2, NM_006731.2); c.1168T>C, p.Cys390Arg (NM_001351497.2); c.*29T>C (NM_001351498.2); c.841T>C, p.Cys281Arg (NM_001351499.2, NM_001351500.2, NM_001351501.2 and 1 more transcripts); short protein forms C390R, C413R, C281R.
Identifiers: ClinVar variation 1448751 (VCV001448751.4), dbSNP rs138836248, ClinGen allele CA197462000.
Genomic context (GRCh38, chr9:105,635,115, plus strand): 5'-CTGTTTCCGAAGTTTACACTGTGCTGGACTGAGTTTGTAGACATGAAGGTCCATGTACCC[T>C]GTGAAACCCTCGAATACATTGAAGCCAACTATGGTAAGACCTGGAAGATTCCTGTAAAGA-3'
Protein context (NP_001073270.1, residues 403-423): EFVDMKVHVP[Cys413Arg]ETLEYIEANY